The following is an entry in ClinVar:

ClinVar aggregate classification (germline): Uncertain significance (1 of 4 stars; one submission).

gnomAD v4.1: 12 of 1,532,102 alleles (0.00078%); highest among the groups gnomAD compares: Non-Finnish European, 0.001%; no homozygotes.

Submission:

GeneDx
Classification: Uncertain significance. Last evaluated: 2025-05-06. Review status: criteria provided, single submitter. Criteria: GeneDx Variant Classification Process June 2021. Collection method: clinical testing. Allele origin: germline. Affected: yes.
Comment: Not observed at significant frequency in large population cohorts (gnomAD); In silico analysis suggests that this missense variant does not alter protein structure/function; Has not been previously published as pathogenic or benign to our knowledge

NM_001010867.4(IBA57):c.197C>T (p.Ala66Val)

Gene: IBA57 (iron-sulfur cluster assembly factor IBA57; plus strand). Cytogenetic location: 1q42.13.
Variant type: single nucleotide variant.
Coding change: c.197C>T on transcript NM_001010867.4 (MANE Select); coding-DNA position 197, C replaced by T.
Protein change: p.Ala66Val; replaces alanine 66 with valine.
Molecular consequence: missense variant.
Genome position (GRCh38, 1-based): chr1:228,166,013, C>T. VCF-style: chr1-228166013-C-T. GRCh37 (hg19) VCF-style: chr1-228353714-C-T.
Other names: short protein forms A66V.
Identifiers: ClinVar variation 4526918 (VCV004526918.1).